The following is an entry in ClinVar:

ClinVar aggregate classification (germline): Uncertain significance (1 of 4 stars; one submission).

Conditions:
Inborn genetic diseases. Identifiers: MedGen C0950123, MeSH D030342.

gnomAD v4.1: 10 of 1,613,954 alleles (0.00062%); highest among the groups gnomAD compares: Admixed American, 0.0067%; no homozygotes.

Submission:

Ambry Genetics
Classification: Uncertain significance for Inborn genetic diseases. Last evaluated: 2026-05-05. Review status: criteria provided, single submitter. Criteria: Ambry Variant Classification Scheme 2023. Collection method: clinical testing. Allele origin: germline.
Comment: The c.2503A>G (p.T835A) alteration is located in exon 1 (coding exon 1) of the FREM2 gene. This alteration results from a A to G substitution at nucleotide position 2503, causing the threonine (T) at amino acid position 835 to be replaced by an alanine (A). Based on data from gnomAD, the G allele has an overall frequency of 0.001% (3/251436) total alleles studied. The highest observed frequency was 0.009% (3/34588) of Latino alleles. Based on insufficient or conflicting evidence, the clinical significance of this alteration remains unclear.

NM_207361.6(FREM2):c.2503A>G (p.Thr835Ala)

Gene: FREM2 (FRAS1 related extracellular matrix 2; plus strand). Cytogenetic location: 13q13.3.
Variant type: single nucleotide variant.
Coding change: c.2503A>G on transcript NM_207361.6 (MANE Select); coding-DNA position 2503, A replaced by G.
Protein change: p.Thr835Ala; replaces threonine 835 with alanine.
Molecular consequence: missense variant.
Genome position (GRCh38, 1-based): chr13:38,689,847, A>G. VCF-style: chr13-38689847-A-G. GRCh37 (hg19) VCF-style: chr13-39263984-A-G.
Other names: short protein forms T835A.
Identifiers: ClinVar variation 4871543 (VCV004871543.1).